The following is an entry in ClinVar:

NC_000005.9:g.(?_112154653)_(112179823_?)del

Gene: APC (APC regulator of Wnt signaling pathway; plus strand). Cytogenetic location: 5q22.2.
Variant type: Deletion.
Identifiers: ClinVar variation 2422181 (VCV002422181.3).

ClinVar aggregate classification (germline): Pathogenic (1 of 4 stars; one submission).

Conditions:
Familial adenomatous polyposis 1 (FAP1). Also called: FAMILIAL ADENOMATOUS POLYPOSIS 1, ATTENUATED; POLYPOSIS, ADENOMATOUS INTESTINAL. Identifiers: MedGen C2713442, MONDO:0021056, OMIM 175100. Disease mechanism: loss of function.

Submission:

Labcorp Genetics (formerly Invitae), Labcorp
Classification: Pathogenic for Familial adenomatous polyposis 1. Last evaluated: 2021-08-02. Review status: criteria provided, single submitter. Criteria: Invitae Variant Classification Sherloc (09022015). Collection method: clinical testing. Allele origin: germline.
Comment: This variant is a gross deletion of the genomic region encompassing exon(s) 10-16 of the APC gene, which includes the termination codon. This deletion extends beyond the assayed region for this gene and therefore may encompass additional genes. While this deletion is not anticipated to lead to nonsense mediated decay, it is expected to alter mRNA translation or result in a truncated protein product. A similar copy number variant has been observed in individual(s) with familial adenomatous polyposis (PMID: 17568392, 20223039). This variant is also known as deletion of exons 9-15. The region of the APC gene that includes exon(s) 16 has been determined to be clinically significant (PMID: 1316610, 1338764, 10083733, 17568392, 20685668; Invitae). Therefore, deletions that encompass that region are likely to be disease-causing. For these reasons, this variant has been classified as Pathogenic.

Literature cited by the submitters: PubMed 17568392; PubMed 20223039; PubMed 1316610; PubMed 1338764; PubMed 10083733; PubMed 20685668.